The following is an entry in ClinVar:

NM_152703.5(SAMD9L):c.3689A>G (p.Gln1230Arg)

Gene: SAMD9L (sterile alpha motif domain containing 9 like; minus strand). Cytogenetic location: 7q21.2.
Variant type: single nucleotide variant.
Coding change: c.3689A>G on transcript NM_152703.5 (MANE Select); coding-DNA position 3689, A replaced by G.
Protein change: p.Gln1230Arg; replaces glutamine 1230 with arginine.
Molecular consequence: missense variant.
Genome position (GRCh38, 1-based): chr7:93,132,283, T>C on the plus strand (A>G on the coding strand, the complement: SAMD9L is on the minus strand). VCF-style: chr7-93132283-T-C. GRCh37 (hg19) VCF-style: chr7-92761596-T-C.
Other names: c.3689A>G, p.Gln1230Arg (NM_001303496.3, NM_001303497.3, NM_001303498.3 and 5 more transcripts); short protein forms Q1230R.
Identifiers: ClinVar variation 3949977 (VCV003949977.1).

ClinVar aggregate classification (germline): Uncertain significance (1 of 4 stars; one submission).

Conditions:
Inborn genetic diseases. Identifiers: MedGen C0950123, MeSH D030342.

Submission:

Ambry Genetics
Classification: Uncertain significance for Inborn genetic diseases. Last evaluated: 2025-05-31. Review status: criteria provided, single submitter. Criteria: Ambry Variant Classification Scheme 2023. Collection method: clinical testing. Allele origin: germline.
Comment: The p.Q1230R variant (also known as c.3689A>G), located in coding exon 1 of the SAMD9L gene, results from an A to G substitution at nucleotide position 3689. The glutamine at codon 1230 is replaced by arginine, an amino acid with highly similar properties. This amino acid position is conserved. In addition, this alteration is predicted to be tolerated by in silico analysis. Based on the available evidence, the clinical significance of this variant remains unclear.